The following is an entry in ClinVar:

NM_004606.5(TAF1):c.3713A>T (p.Asn1238Ile)

Gene: TAF1 (TATA-box binding protein associated factor 1; plus strand). Cytogenetic location: Xq13.1.
Variant type: single nucleotide variant.
Coding change: c.3713A>T on transcript NM_004606.5 (MANE Select); coding-DNA position 3713, A replaced by T.
Protein change: p.Asn1238Ile; replaces asparagine 1238 with isoleucine.
Molecular consequence: missense variant. On other transcripts: non-coding transcript variant (9).
Genome position (GRCh38, 1-based): chrX:71,398,664, A>T. VCF-style: chrX-71398664-A-T. GRCh37 (hg19) VCF-style: chrX-70618514-A-T.
Other names: c.3713A>T, p.Asn1238Ile (NM_001286074.2); c.3650A>T, p.Asn1217Ile (NM_138923.4); short protein forms N1217I, N1238I.
Identifiers: ClinVar variation 3360591 (VCV003360591.1).
Genomic context (GRCh38, chrX:71,398,664, plus strand): 5'-GGGAAGAGATGCGAAAAGAACGGCGGAGGATTCAAGAGCAACTGAGGCGGCTTAAGAGGA[A>T]CCAGGAAAAGGAGAAGCTTAAGGGTCCTCCTGAGAAGAAGCCCAAGAAAATGAAGGAGCG-3'
Protein context (NP_004597.3, residues 1228-1248): IQEQLRRLKR[Asn1238Ile]QEKEKLKGPP

ClinVar aggregate classification (germline): Uncertain significance (1 of 4 stars; one submission).

Submission:

GeneDx
Classification: Uncertain significance. Last evaluated: 2023-06-27. Review status: criteria provided, single submitter. Criteria: GeneDx Variant Classification Process June 2021. Collection method: clinical testing. Allele origin: germline. Affected: yes.
Comment: Not observed at significant frequency in large population cohorts (gnomAD); In silico analysis supports that this missense variant has a deleterious effect on protein structure/function; Has not been previously published as pathogenic or benign to our knowledge